The following is an entry in ClinVar:

NM_006389.5(HYOU1):c.2796C>T (p.Ala932=)

Gene: HYOU1 (hypoxia up-regulated 1; minus strand). Cytogenetic location: 11q23.3.
Variant type: single nucleotide variant.
Coding change: c.2796C>T on transcript NM_006389.5 (MANE Select); coding-DNA position 2796, C replaced by T.
Protein change: p.Ala932=; no amino-acid change (alanine 932 retained).
Molecular consequence: synonymous variant.
Genome position (GRCh38, 1-based): chr11:119,046,602, G>A on the plus strand (C>T on the coding strand, the complement: HYOU1 is on the minus strand). VCF-style: chr11-119046602-G-A. GRCh37 (hg19) VCF-style: chr11-118917314-G-A.
Other names: c.2796C>T, p.Ala932= (NM_001130991.3, NM_001411041.1).
Identifiers: ClinVar variation 2783594 (VCV002783594.3), dbSNP rs1237399724, ClinGen allele CA672411029.

ClinVar aggregate classification (germline): Uncertain significance (1 of 4 stars; one submission).

Allele frequency attached by ClinVar (database versions not stated): gnomAD exomes below 0.00001.
gnomAD v4.1: 3 of 1,614,100 alleles (0.00019%); highest among the groups gnomAD compares: Non-Finnish European, 0.00025%; no homozygotes.

Submission:

Labcorp Genetics (formerly Invitae), Labcorp
Classification: Uncertain significance. Last evaluated: 2023-06-24. Review status: criteria provided, single submitter. Criteria: Invitae Variant Classification Sherloc (09022015). Collection method: clinical testing. Allele origin: germline.
Comment: In summary, the available evidence is currently insufficient to determine the role of this variant in disease. Therefore, it has been classified as a Variant of Uncertain Significance. This variant has not been reported in the literature in individuals affected with HYOU1-related conditions. This variant is present in population databases (no rsID available, gnomAD 0.0009%). This sequence change affects codon 932 of the HYOU1 mRNA. It is a 'silent' change, meaning that it does not change the encoded amino acid sequence of the HYOU1 protein.